The following is an entry in ClinVar:

NM_000245.4(MET):c.417G>C (p.Gly139=)

Gene: MET (MET proto-oncogene, receptor tyrosine kinase; plus strand). Cytogenetic location: 7q31.2.
Variant type: single nucleotide variant.
Coding change: c.417G>C on transcript NM_000245.4 (MANE Select); coding-DNA position 417, G replaced by C.
Protein change: p.Gly139=; no amino-acid change (glycine 139 retained).
Molecular consequence: synonymous variant. On other transcripts: intron variant (1).
Genome position (GRCh38, 1-based): chr7:116,699,501, G>C. VCF-style: chr7-116699501-G-C. GRCh37 (hg19) VCF-style: chr7-116339555-G-C.
Other names: c.417G>C, p.Gly139= (NM_001127500.3, NM_001324401.3); c.-91+26924G>C (NM_001324402.2).
Identifiers: ClinVar variation 3773369 (VCV003773369.2).

ClinVar aggregate classification (germline): Benign/Likely benign. Review status: criteria provided, multiple submitters, no conflicts (2 of 4 stars). 2 submissions from 2 submitters: Benign (1); Likely benign (1). Last evaluated 2025-11-01.

Conditions:
Hereditary cancer-predisposing syndrome. Also called: Neoplastic Syndromes, Hereditary; Tumor predisposition; Hereditary Cancer Syndrome; Hereditary neoplastic syndrome. Identifiers: Orphanet 140162, MedGen C0027672, MeSH D009386, MONDO:0015356.
Papillary renal cell carcinoma type 1 (RCCP1). Also called: Renal adenocarcinoma; Renal cell carcinoma 1; Renal cell carcinoma, somatic; RENAL CELL CARCINOMA, PAPILLARY, 1, SOMATIC. Identifiers: Orphanet 47044, MedGen C1336839, OMIM 605074, HP:0011797.

Submissions (2):

Ambry Genetics
Classification: Likely benign for Hereditary cancer-predisposing syndrome. Last evaluated: 2025-11-01. Review status: criteria provided, single submitter. Criteria: Ambry Variant Classification Scheme 2023. Collection method: clinical testing. Allele origin: germline.

Myriad Genetics, Inc.
Classification: Benign for Papillary renal cell carcinoma type 1. Last evaluated: 2024-11-06. Review status: criteria provided, single submitter. Criteria: Myriad Autosomal Dominant, Autosomal Recessive and X-Linked Classification Criteria (2023). Collection method: clinical testing. Allele origin: unknown.
Comment: This variant is considered benign. This variant is a silent/synonymous amino acid change and it is not expected to impact splicing.